The following is an entry in ClinVar:

NM_000098.3(CPT2):c.1302dup (p.Asp435Ter)

Gene: CPT2 (carnitine palmitoyltransferase 2; plus strand). Cytogenetic location: 1p32.3.
Variant type: Duplication.
Coding change: c.1302dup on transcript NM_000098.3 (MANE Select); coding-DNA position 1302, one base duplicated (T; older notation c.1302dupT).
Protein change: p.Asp435Ter; replaces aspartic acid 435 with a stop codon.
Molecular consequence: nonsense.
Genome position (GRCh38, 1-based): chr1:53,210,976, T duplicated; the last of 3 consecutive T bases (chr1:53,210,974-53,210,976); duplicating any one gives the same sequence. VCF-style (leftmost placement, unchanged base first): chr1-53210973-G-GT. GRCh37 (hg19) VCF-style: chr1-53676645-G-GT.
Other names: c.1302dup, p.Asp435Ter (NM_001330589.2); short protein forms D435*.
Identifiers: ClinVar variation 2143444 (VCV002143444.4), dbSNP rs2525589836, ClinGen allele CA2580063053.

ClinVar aggregate classification (germline): Pathogenic (1 of 4 stars; one submission).

Conditions:
Carnitine palmitoyltransferase II deficiency. Also called: Carnitine Palmitoyltransferase 2 Deficiency. Identifiers: Orphanet 157, MedGen C0342790, MONDO:0015515.

Submission:

Labcorp Genetics (formerly Invitae), Labcorp
Classification: Pathogenic for Carnitine palmitoyltransferase II deficiency. Last evaluated: 2023-06-27. Review status: criteria provided, single submitter. Criteria: Invitae Variant Classification Sherloc (09022015). Collection method: clinical testing. Allele origin: germline.
Comment: For these reasons, this variant has been classified as Pathogenic. ClinVar contains an entry for this variant (Variation ID: 2143444). This sequence change creates a premature translational stop signal (p.Asp435*) in the CPT2 gene. It is expected to result in an absent or disrupted protein product. Loss-of-function variants in CPT2 are known to be pathogenic (PMID: 16781677, 16996287). This variant is not present in population databases (gnomAD no frequency). This variant has not been reported in the literature in individuals affected with CPT2-related conditions.

Literature cited by the submitters: PubMed 16781677; PubMed 16996287.